The following is an entry in ClinVar:

ClinVar aggregate classification (germline): Uncertain significance. Review status: criteria provided, multiple submitters, no conflicts (2 of 4 stars). 3 submissions from 3 submitters: Uncertain significance (2). 1 of the submissions does not count toward it. Last evaluated 2025-05-17.

Conditions:
Enhanced S-cone syndrome (ESCS). Identifiers: Orphanet 53540, MedGen C1849394, MONDO:0100288, MONDO:0009989.

Allele frequency attached by ClinVar (database versions not stated): gnomAD exomes 0.00001 and 0.00004; ExAC 0.00006; gnomAD 0.00009 and 0.00010; TOPMed 0.00012; ESP Exome Variant Server 0.00042.
gnomAD v4.1: 35 of 1,607,602 alleles (0.0022%); highest among the groups gnomAD compares: African/African-American, 0.036%; no homozygotes.

Submissions (3):

Labcorp Genetics (formerly Invitae), Labcorp
Classification: Uncertain significance. Last evaluated: 2025-05-17. Review status: criteria provided, single submitter. Criteria: Invitae Variant Classification Sherloc (09022015). Collection method: clinical testing. Allele origin: germline.
Comment: This sequence change replaces methionine, which is neutral and non-polar, with valine, which is neutral and non-polar, at codon 400 of the NR2E3 protein (p.Met400Val). This variant is present in population databases (rs369323987, gnomAD 0.03%). This missense change has been observed in individual(s) with clinical features of NR2E3-related conditions (internal data). ClinVar contains an entry for this variant (Variation ID: 943276). Invitae Evidence Modeling of protein sequence and biophysical properties (such as structural, functional, and spatial information, amino acid conservation, physicochemical variation, residue mobility, and thermodynamic stability) indicates that this missense variant is not expected to disrupt NR2E3 protein function with a negative predictive value of 80%. In summary, the available evidence is currently insufficient to determine the role of this variant in disease. Therefore, it has been classified as a Variant of Uncertain Significance.

Blueprint Genetics
Classification: Uncertain significance. Last evaluated: 2023-11-06. Review status: criteria provided, single submitter. Criteria: ACMG Guidelines, 2015. Collection method: clinical testing. Allele origin: germline.

Natera, Inc.
Classification: Uncertain significance for Enhanced S cone syndrome. Last evaluated: 2021-03-20. Review status: no assertion criteria provided. Collection method: clinical testing. Allele origin: germline. Not counted in ClinVar's aggregate classification.

NM_014249.4(NR2E3):c.1198A>G (p.Met400Val)

Gene: NR2E3 (nuclear receptor subfamily 2 group E member 3; plus strand). Cytogenetic location: 15q23.
Variant type: single nucleotide variant.
Coding change: c.1198A>G on transcript NM_014249.4 (MANE Select); coding-DNA position 1198, A replaced by G.
Protein change: p.Met400Val; replaces methionine 400 with valine.
Molecular consequence: missense variant.
Genome position (GRCh38, 1-based): chr15:71,817,649, A>G. VCF-style: chr15-71817649-A-G. GRCh37 (hg19) VCF-style: chr15-72109990-A-G.
Other names: short protein forms M400V.
Identifiers: ClinVar variation 943276 (VCV000943276.8), dbSNP rs369323987, ClinGen allele CA7640545.